The following is an entry in ClinVar:

NM_033026.6(PCLO):c.6413C>T (p.Thr2138Ile)

Gene: PCLO (piccolo presynaptic cytomatrix protein; minus strand). Cytogenetic location: 7q21.11.
Variant type: single nucleotide variant.
Coding change: c.6413C>T on transcript NM_033026.6 (MANE Select); coding-DNA position 6413, C replaced by T.
Protein change: p.Thr2138Ile; replaces threonine 2138 with isoleucine.
Molecular consequence: missense variant.
Genome position (GRCh38, 1-based): chr7:82,954,540, G>A on the plus strand (C>T on the coding strand, the complement: PCLO is on the minus strand). VCF-style: chr7-82954540-G-A. GRCh37 (hg19) VCF-style: chr7-82583856-G-A.
Other names: c.6413C>T, p.Thr2138Ile (NM_014510.3); short protein forms T2138I.
Identifiers: ClinVar variation 1444197 (VCV001444197.5), dbSNP rs201121475, ClinGen allele CA4320478.

ClinVar aggregate classification (germline): Uncertain significance (1 of 4 stars; one submission).

Allele frequency attached by ClinVar (database versions not stated): ExAC 0.00001; gnomAD exomes 0.00001; TOPMed 0.00003; gnomAD 0.00006 and 0.00009; ESP Exome Variant Server 0.00008; 1000 Genomes Project 30x 0.00016; 1000 Genomes Project 0.00020.
gnomAD v4.1: 34 of 1,613,856 alleles (0.0021%); highest among the groups gnomAD compares: African/African-American, 0.031%; 1 homozygote.

Submission:

Labcorp Genetics (formerly Invitae), Labcorp
Classification: Uncertain significance. Last evaluated: 2024-12-16. Review status: criteria provided, single submitter. Criteria: Invitae Variant Classification Sherloc (09022015). Collection method: clinical testing. Allele origin: germline.
Comment: This sequence change replaces threonine, which is neutral and polar, with isoleucine, which is neutral and non-polar, at codon 2138 of the PCLO protein (p.Thr2138Ile). This variant is present in population databases (rs201121475, gnomAD 0.01%). This variant has not been reported in the literature in individuals affected with PCLO-related conditions. ClinVar contains an entry for this variant (Variation ID: 1444197). Experimental studies and prediction algorithms are not available or were not evaluated, and the functional significance of this variant is currently unknown. In summary, the available evidence is currently insufficient to determine the role of this variant in disease. Therefore, it has been classified as a Variant of Uncertain Significance.